The following is an entry in ClinVar:

NM_001003841.3(SLC6A19):c.922A>G (p.Ile308Val)

Gene: SLC6A19 (solute carrier family 6 member 19; plus strand). Cytogenetic location: 5p15.33.
Variant type: single nucleotide variant.
Coding change: c.922A>G on transcript NM_001003841.3 (MANE Select); coding-DNA position 922, A replaced by G.
Protein change: p.Ile308Val; replaces isoleucine 308 with valine.
Molecular consequence: missense variant.
Genome position (GRCh38, 1-based): chr5:1,216,592, A>G. VCF-style: chr5-1216592-A-G. GRCh37 (hg19) VCF-style: chr5-1216707-A-G.
Other names: short protein forms I308V.
Identifiers: ClinVar variation 2386651 (VCV002386651.5), dbSNP rs773841943, ClinGen allele CA3182955.

ClinVar aggregate classification (germline): Conflicting classifications of pathogenicity. Review status: criteria provided, conflicting classifications (1 of 4 stars). 3 submissions from 3 submitters: Uncertain significance (2); Likely benign (1). Last evaluated 2024-08-27.

Conditions:
Inborn genetic diseases. Identifiers: MedGen C0950123, MeSH D030342.
Neutral 1 amino acid transport defect (HND). Also called: Hartnup disease; HARTNUP DISORDER. Identifiers: Orphanet 2116, MedGen C0018609, MONDO:0009324, OMIM 234500.

Allele frequency attached by ClinVar (database versions not stated): ExAC 0.00001; gnomAD exomes 0.00003; gnomAD 0.00004; TOPMed 0.00009.

Submissions (3):

Labcorp Genetics (formerly Invitae), Labcorp
Classification: Uncertain significance. Last evaluated: 2024-08-27. Review status: criteria provided, single submitter. Criteria: Invitae Variant Classification Sherloc (09022015). Collection method: clinical testing. Allele origin: germline.
Comment: This sequence change replaces isoleucine, which is neutral and non-polar, with valine, which is neutral and non-polar, at codon 308 of the SLC6A19 protein (p.Ile308Val). This variant is present in population databases (rs773841943, gnomAD 0.009%). This variant has not been reported in the literature in individuals affected with SLC6A19-related conditions. ClinVar contains an entry for this variant (Variation ID: 2386651). Invitae Evidence Modeling of protein sequence and biophysical properties (such as structural, functional, and spatial information, amino acid conservation, physicochemical variation, residue mobility, and thermodynamic stability) indicates that this missense variant is not expected to disrupt SLC6A19 protein function with a negative predictive value of 80%. In summary, the available evidence is currently insufficient to determine the role of this variant in disease. Therefore, it has been classified as a Variant of Uncertain Significance.

Fulgent Genetics
Classification: Uncertain significance for Neutral 1 amino acid transport defect. Last evaluated: 2024-06-10. Review status: criteria provided, single submitter. Criteria: ACMG Guidelines, 2015. Collection method: clinical testing. Allele origin: germline.

Ambry Genetics
Classification: Likely benign for Inborn genetic diseases. Last evaluated: 2022-12-19. Review status: criteria provided, single submitter. Criteria: Ambry Variant Classification Scheme 2023. Collection method: clinical testing. Allele origin: germline.